The following is an entry in ClinVar:

NM_001291415.2(KDM6A):c.1730A>C (p.Asn577Thr)

Gene: KDM6A (lysine demethylase 6A; plus strand). Cytogenetic location: Xp11.3.
Variant type: single nucleotide variant.
Coding change: c.1730A>C on transcript NM_001291415.2 (MANE Select); coding-DNA position 1730, A replaced by C.
Protein change: p.Asn577Thr; replaces asparagine 577 with threonine.
Molecular consequence: missense variant. On other transcripts: non-coding transcript variant (1).
Genome position (GRCh38, 1-based): chrX:45,063,468, A>C. VCF-style: chrX-45063468-A-C. GRCh37 (hg19) VCF-style: chrX-44922713-A-C.
Other names: c.1595A>C, p.Asn532Thr (NM_001291416.2); c.1439A>C, p.Asn480Thr (NM_001291417.2); c.1337A>C, p.Asn446Thr (NM_001291418.2); c.686A>C, p.Asn229Thr (NM_001291421.2); c.1574A>C, p.Asn525Thr (NM_021140.4); short protein forms N446T, N532T, N525T, N229T, N480T, N577T.
Identifiers: ClinVar variation 1346563 (VCV001346563.6), dbSNP rs1359864920, ClinGen allele CA412787776.

ClinVar aggregate classification (germline): Uncertain significance (1 of 4 stars; one submission).

Conditions:
Kabuki syndrome 2 (KABUK2). Also called: KDM6A-Related Kabuki Syndrome. Identifiers: Orphanet 2322, MedGen C3275495, MONDO:0010465, OMIM 300867.

Allele frequency attached by ClinVar (database versions not stated): gnomAD exomes 0.00001 and below 0.00001; gnomAD 0.00003; TOPMed 0.00004.
gnomAD v4.1: 5 of 1,206,782 alleles (0.00041%); highest among the groups gnomAD compares: Admixed American, 0.011%; no homozygotes.

Submission:

Labcorp Genetics (formerly Invitae), Labcorp
Classification: Uncertain significance for Kabuki syndrome 2. Last evaluated: 2024-02-20. Review status: criteria provided, single submitter. Criteria: Invitae Variant Classification Sherloc (09022015). Collection method: clinical testing. Allele origin: germline.
Comment: This sequence change replaces asparagine, which is neutral and polar, with threonine, which is neutral and polar, at codon 525 of the KDM6A protein (p.Asn525Thr). This variant is present in population databases (no rsID available, gnomAD 0.008%), including at least one homozygous and/or hemizygous individual. This variant has not been reported in the literature in individuals affected with KDM6A-related conditions. ClinVar contains an entry for this variant (Variation ID: 1346563). Advanced modeling of protein sequence and biophysical properties (such as structural, functional, and spatial information, amino acid conservation, physicochemical variation, residue mobility, and thermodynamic stability) has been performed at Invitae for this missense variant, however the output from this modeling did not meet the statistical confidence thresholds required to predict the impact of this variant on KDM6A protein function. In summary, the available evidence is currently insufficient to determine the role of this variant in disease. Therefore, it has been classified as a Variant of Uncertain Significance.